The following is an entry in ClinVar:

ClinVar aggregate classification (germline): Uncertain significance (1 of 4 stars; one submission).

Conditions:
Dyskeratosis congenita, autosomal dominant 1 (DKCA1). Also called: Dyskeratosis congenita Scoggins type. Identifiers: Orphanet 1775, MedGen C4551974, MONDO:0007485, OMIM 127550. Inheritance: Variable.

Submission:

Labcorp Genetics (formerly Invitae), Labcorp
Classification: Uncertain significance for Dyskeratosis congenita, autosomal dominant 1. Last evaluated: 2023-06-04. Review status: criteria provided, single submitter. Criteria: Invitae Variant Classification Sherloc (09022015). Collection method: clinical testing. Allele origin: germline.
Comment: This variant is located within the BoxH/ACA scaRNA domain of the TERC RNA component, which is required for telomerase activity (PMID: 21844345). In summary, the available evidence is currently insufficient to determine the role of this variant in disease. Therefore, it has been classified as a Variant of Uncertain Significance. This variant has not been reported in the literature in individuals affected with TERC-related conditions. This variant is not present in population databases (gnomAD no frequency). This variant occurs in the TERC gene, which encodes an RNA molecule that does not result in a protein product.

Literature cited by the submitters: PubMed 21844345.

NC_000003.12:g.169764706G>T

Genes: TERC (telomerase RNA component; minus strand), LOC110806306 (telomerase RNA component (TERC) promoter; plus strand). Cytogenetic location: 3q26.2.
Variant type: single nucleotide variant.
Genome position: GRCh38 VCF-style: chr3-169764706-G-T. GRCh37 (hg19) VCF-style: chr3-169482494-G-T.
Identifiers: ClinVar variation 2825576 (VCV002825576.3), dbSNP rs2474261995, ClinGen allele CA436714958.